The following is an entry in ClinVar:

ClinVar aggregate classification (germline): Conflicting classifications of pathogenicity. Review status: criteria provided, conflicting classifications (1 of 4 stars). 6 submissions from 6 submitters: Pathogenic (1); Likely pathogenic (3); Uncertain significance (1). 1 of the submissions does not count toward it. Last evaluated 2025-09-30.

Conditions:
PROM1-related disorder. Also called: PROM1-related disorders; PROM1-related condition.
Retinal dystrophy. Also called: Inherited retinal dystrophy. Identifiers: Orphanet 71862, MedGen C0854723, MeSH D058499, MONDO:0019118, HP:0000556.
Cone-rod dystrophy. Also called: Cone-rod degeneration; Cone/cone-rod dystrophy. Identifiers: Orphanet 1872, MedGen C4085590, MONDO:0015993, HP:0000548.

Allele frequency attached by ClinVar (database versions not stated): gnomAD exomes below 0.00001 and 0.00002; ExAC 0.00001; gnomAD 0.00001 and 0.00002; TOPMed 0.00002.

Submissions (6):

PreventionGenetics, part of Exact Sciences
Classification: Uncertain significance for PROM1-related condition. Last evaluated: 2025-09-30. Review status: criteria provided, single submitter. Criteria: ACMG Guidelines, 2015. Collection method: clinical testing. Allele origin: germline.
Comment: The PROM1 c.1209_1229del21 variant is predicted to result in an in-frame deletion (p.Gln403_Ser410delinsHis). This variant has been reported in the homozygous state or with a second causative PROM1 variant in individuals with retinitis pigmentosa (Eisenberger et al. 2013. PubMed ID: 24265693; Weisschuh et al. 2018. PubMed ID: 30576320). This variant is reported in 0.0046% of alleles in individuals of European (Finnish) descent in gnomAD. Although we suspect that this variant may be pathogenic, at this time, the clinical significance of this variant is uncertain due to the absence of conclusive functional and genetic evidence.

Labcorp Genetics (formerly Invitae), Labcorp
Classification: Pathogenic. Last evaluated: 2025-09-10. Review status: criteria provided, single submitter. Criteria: Invitae Variant Classification Sherloc (09022015). Collection method: clinical testing. Allele origin: germline.
Comment: This variant, c.1209_1229del, is a complex sequence change that results in the deletion of 8 and insertion of 1 amino acid(s) in the PROM1 protein (p.Gln403_Ser410delinsHis). This variant is present in population databases (rs777497868, gnomAD 0.004%). This variant has been observed in individual(s) with autosomal recessive retinitis pigmentosa (PMID: 24265693, 30576320; internal data). In at least one individual the data is consistent with being in trans (on the opposite chromosome) from a pathogenic variant. ClinVar contains an entry for this variant (Variation ID: 425332). For these reasons, this variant has been classified as Pathogenic.

CeGaT Center for Human Genetics Tuebingen
Classification: Likely pathogenic. Last evaluated: 2024-07-01. Review status: criteria provided, single submitter. Criteria: CeGaT Center For Human Genetics Tuebingen Variant Classification Criteria Version 2. Collection method: clinical testing. Allele origin: germline. Affected: yes. Observed: 2 variant alleles.
Comment: PROM1: PM3:Strong, PM2, PM4

Blueprint Genetics
Classification: Likely pathogenic for PROM1-related disorders. Last evaluated: 2022-06-17. Review status: criteria provided, single submitter. Criteria: ACMG Guidelines, 2015. Collection method: clinical testing. Allele origin: germline. Affected: yes. Observed: 4 variant alleles.

Institute of Human Genetics, Univ. Regensburg, Univ. Regensburg
Classification: Likely pathogenic for Retinal dystrophy. Last evaluated: 2020-01-01. Review status: criteria provided, single submitter. Criteria: ACMG Guidelines, 2015. Collection method: clinical testing. Allele origin: germline. Affected: yes.

Cambridge Genomics Laboratory, East Genomic Laboratory Hub, NHS Genomic Medicine Service
Classification: Uncertain significance for Cone-rod dystrophy. Last evaluated: 2020-03-14. Review status: flagged submission. Criteria: ACGS Best Practice Guidelines for Variant Classification in Rare Disease 2020. Collection method: clinical testing. Allele origin: germline. Affected: yes. Observed: 1 variant allele. Not counted in ClinVar's aggregate classification.
ClinVar note: Reason: Outlier claim with insufficient supporting evidence

Literature cited by the submitters: PubMed 24265693 (cited by Labcorp Genetics (formerly Invitae), Labcorp and Institute of Human Genetics, Univ. Regensburg, Univ. Regensburg); PubMed 30576320 (cited by Labcorp Genetics (formerly Invitae), Labcorp); PubMed 3057632 (cited by Institute of Human Genetics, Univ. Regensburg, Univ. Regensburg).

NM_006017.3(PROM1):c.1209_1229del (p.Gln403_Ser410delinsHis)

Gene: PROM1 (prominin 1; minus strand). Cytogenetic location: 4p15.32.
Variant type: Deletion.
Coding change: c.1209_1229del on transcript NM_006017.3 (MANE Select); coding-DNA positions 1209 to 1229, 21 bases deleted (GGATATACTCTCAGCATTCTC).
Protein change: p.Gln403_Ser410delinsHis.
Molecular consequence: inframe indel.
Genome position (GRCh38, 1-based): chr4:16,009,021-16,009,041, GAGAATGCTGAGAGTATATCC deleted on the plus strand (GGATATACTCTCAGCATTCTC on the coding strand, the reverse complement: PROM1 is on the minus strand). VCF-style (leftmost placement, unchanged base first): chr4-16009020-AGAGAATGCTGAGAGTATATCC-A. GRCh37 (hg19) VCF-style: chr4-16010643-AGAGAATGCTGAGAGTATATCC-A.
Other names: c.1209_1229del21 (NM_006017.2); c.1182_1202del, p.Gln394_Ser401delinsHis (NM_001145847.2, NM_001145848.2, NM_001145851.2 and 4 more transcripts); c.1209_1229del, p.Gln403_Ser410delinsHis (NM_001145849.2, NM_001145850.2).
Identifiers: ClinVar variation 425332 (VCV000425332.56), dbSNP rs777497868, ClinGen allele CA2866833.